The following is an entry in ClinVar:

ClinVar aggregate classification (germline): Uncertain significance. Review status: criteria provided, multiple submitters, no conflicts (2 of 4 stars). 2 submissions from 2 submitters: Uncertain significance (2). Last evaluated 2024-09-27.

gnomAD v4.1: 33 of 1,614,020 alleles (0.002%); highest among the groups gnomAD compares: Non-Finnish European, 0.0026%; no homozygotes.

Submissions (2):

Labcorp Genetics (formerly Invitae), Labcorp
Classification: Uncertain significance. Last evaluated: 2024-09-27. Review status: criteria provided, single submitter. Criteria: Invitae Variant Classification Sherloc (09022015). Collection method: clinical testing. Allele origin: germline.
Comment: This sequence change replaces lysine, which is basic and polar, with glutamic acid, which is acidic and polar, at codon 94 of the BCS1L protein (p.Lys94Glu). This variant is present in population databases (rs772937517, gnomAD 0.003%). This variant has not been reported in the literature in individuals affected with BCS1L-related conditions. Invitae Evidence Modeling of protein sequence and biophysical properties (such as structural, functional, and spatial information, amino acid conservation, physicochemical variation, residue mobility, and thermodynamic stability) has been performed for this missense variant. However, the output from this modeling did not meet the statistical confidence thresholds required to predict the impact of this variant on BCS1L protein function. In summary, the available evidence is currently insufficient to determine the role of this variant in disease. Therefore, it has been classified as a Variant of Uncertain Significance.

GeneDx
Classification: Uncertain significance. Last evaluated: 2024-04-15. Review status: criteria provided, single submitter. Criteria: GeneDx Variant Classification Process June 2021. Collection method: clinical testing. Allele origin: germline. Affected: yes.
Comment: Not observed at significant frequency in large population cohorts (gnomAD); In silico analysis indicates that this missense variant does not alter protein structure/function; Has not been previously published as pathogenic or benign to our knowledge

NM_001079866.2(BCS1L):c.280A>G (p.Lys94Glu)

Gene: BCS1L (BCS1 homolog, ubiquinol-cytochrome c reductase complex chaperone; plus strand). Cytogenetic location: 2q35.
Variant type: single nucleotide variant.
Coding change: c.280A>G on transcript NM_001079866.2 (MANE Select); coding-DNA position 280, A replaced by G.
Protein change: p.Lys94Glu; replaces lysine 94 with glutamic acid.
Molecular consequence: missense variant. On other transcripts: 5 prime UTR variant (5), non-coding transcript variant (1), intron variant (3).
Genome position (GRCh38, 1-based): chr2:218,661,267, A>G. VCF-style: chr2-218661267-A-G. GRCh37 (hg19) VCF-style: chr2-219525990-A-G.
Other names: c.280A>G, p.Lys94Glu (NM_001257342.2, NM_001257343.2, NM_001257344.2 and 10 more transcripts); c.-197A>G (NM_001371453.1, NM_001371454.1, NM_001371455.1 and 2 more transcripts); c.-40-139A>G (NM_001371451.1, NM_001318836.2); c.-41-492A>G (NM_001371452.1); short protein forms K94E.
Identifiers: ClinVar variation 3372364 (VCV003372364.2).